The following is an entry in ClinVar:

ClinVar aggregate classification (germline): Uncertain significance (1 of 4 stars; one submission).

Allele frequency attached by ClinVar (database versions not stated): gnomAD exomes below 0.00001; gnomAD 0.00001.
gnomAD v4.1: 2 of 1,614,006 alleles (0.00012%); highest among the groups gnomAD compares: Admixed American, 0.0017%; no homozygotes.

Submission:

Ambry Genetics
Classification: Uncertain significance. Last evaluated: 2025-08-25. Review status: criteria provided, single submitter. Criteria: Ambry Variant Classification Scheme 2023. Collection method: clinical testing. Allele origin: germline.
Comment: The p.V1120A variant (also known as c.3359T>C), located in coding exon 2 of the MLH3 gene, results from a T to C substitution at nucleotide position 3359. The valine at codon 1120 is replaced by alanine, an amino acid with similar properties. This amino acid position is conserved. In addition, this alteration is predicted to be tolerated by in silico analysis. Since supporting evidence is limited at this time, the clinical significance of this alteration remains unclear.

NM_001040108.2(MLH3):c.3359T>C (p.Val1120Ala)

Gene: MLH3 (mutL homolog 3; minus strand). Cytogenetic location: 14q24.3.
Variant type: single nucleotide variant.
Coding change: c.3359T>C on transcript NM_001040108.2 (MANE Select); coding-DNA position 3359, T replaced by C.
Protein change: p.Val1120Ala; replaces valine 1120 with alanine.
Molecular consequence: missense variant.
Genome position (GRCh38, 1-based): chr14:75,042,399, A>G on the plus strand (T>C on the coding strand, the complement: MLH3 is on the minus strand). VCF-style: chr14-75042399-A-G. GRCh37 (hg19) VCF-style: chr14-75509102-A-G.
Other names: c.3359T>C, p.Val1120Ala (NM_014381.3); short protein forms V1120A.
Identifiers: ClinVar variation 2563551 (VCV002563551.3), dbSNP rs1891917031, ClinGen allele CA390431762.